The following is an entry in ClinVar:

ClinVar aggregate classification (germline): Uncertain significance (1 of 4 stars; one submission).

gnomAD v4.1: 1 of 1,614,134 alleles (0.000062%); highest among the groups gnomAD compares: Non-Finnish European, 0.000085%; no homozygotes.

Submission:

Labcorp Genetics (formerly Invitae), Labcorp
Classification: Uncertain significance. Last evaluated: 2023-04-11. Review status: criteria provided, single submitter. Criteria: Invitae Variant Classification Sherloc (09022015). Collection method: clinical testing. Allele origin: germline.
Comment: In summary, the available evidence is currently insufficient to determine the role of this variant in disease. Therefore, it has been classified as a Variant of Uncertain Significance. An algorithm developed to predict the effect of missense changes on protein structure and function (PolyPhen-2) suggests that this variant is likely to be tolerated. This variant has not been reported in the literature in individuals affected with CDK5RAP2-related conditions. This variant is present in population databases (no rsID available, gnomAD 0.0009%). This sequence change replaces arginine, which is basic and polar, with leucine, which is neutral and non-polar, at codon 1725 of the CDK5RAP2 protein (p.Arg1725Leu).

NM_018249.6(CDK5RAP2):c.5174G>T (p.Arg1725Leu)

Gene: CDK5RAP2 (CDK5 regulatory subunit associated protein 2; minus strand). Cytogenetic location: 9q33.2.
Variant type: single nucleotide variant.
Coding change: c.5174G>T on transcript NM_018249.6 (MANE Select); coding-DNA position 5174, G replaced by T.
Protein change: p.Arg1725Leu; replaces arginine 1725 with leucine.
Molecular consequence: missense variant. On other transcripts: non-coding transcript variant (5).
Genome position (GRCh38, 1-based): chr9:120,402,939, C>A on the plus strand (G>T on the coding strand, the complement: CDK5RAP2 is on the minus strand). VCF-style: chr9-120402939-C-A. GRCh37 (hg19) VCF-style: chr9-123165217-C-A.
Other names: c.4937G>T, p.Arg1646Leu (NM_001011649.3); c.4484G>T, p.Arg1495Leu (NM_001272039.2); c.5075G>T, p.Arg1692Leu (NM_001410992.1); c.5078G>T, p.Arg1693Leu (NM_001410993.1); c.5171G>T, p.Arg1724Leu (NM_001410994.1); short protein forms R1495L, R1693L, R1692L, R1724L, R1646L, R1725L.
Identifiers: ClinVar variation 2855269 (VCV002855269.3), dbSNP rs948437328, ClinGen allele CA374707273.